The following is an entry in ClinVar:

NM_174878.3(CLRN1):c.*9C>G

Gene: CLRN1 (clarin 1; minus strand). Cytogenetic location: 3q25.1.
Variant type: single nucleotide variant.
Coding change: c.*9C>G on transcript NM_174878.3 (MANE Select); 9 bases downstream of the stop codon, C replaced by G.
Molecular consequence: 3 prime UTR variant. On other transcripts: non-coding transcript variant (1), intron variant (1).
Genome position (GRCh38, 1-based): chr3:150,927,927, G>C on the plus strand (C>G on the coding strand, the complement: CLRN1 is on the minus strand). VCF-style: chr3-150927927-G-C. GRCh37 (hg19) VCF-style: chr3-150645714-G-C.
Other names: c.*9C>G (NM_001195794.1); c.*322C>G (NM_001256819.2); c.342+138C>G (NM_052995.2).
Identifiers: ClinVar variation 899881 (VCV000899881.5), dbSNP rs201624666, ClinGen allele CA2665989.

ClinVar aggregate classification (germline): Conflicting classifications of pathogenicity. Review status: criteria provided, conflicting classifications (1 of 4 stars). 2 submissions from 2 submitters: Uncertain significance (1); Likely benign (1). Last evaluated 2025-04-03.

Conditions:
Usher syndrome type 3. Also called: Usher Syndrome, Type III. Identifiers: Orphanet 231183, MedGen C1568248, MONDO:0016485.
CLRN1-related disorder. Also called: CLRN1-related condition.

Allele frequency attached by ClinVar (database versions not stated): gnomAD exomes 0.00001; ExAC 0.00002; TOPMed 0.00006; gnomAD 0.00008 and 0.00009; ESP Exome Variant Server 0.00015.
gnomAD v4.1: 58 of 1,613,818 alleles (0.0036%); highest among the groups gnomAD compares: Non-Finnish European, 0.0047%; no homozygotes.

Submissions (2):

PreventionGenetics, part of Exact Sciences
Classification: Likely benign for CLRN1-related condition. Last evaluated: 2025-04-03. Review status: criteria provided, single submitter. Criteria: ACMG Guidelines, 2015. Collection method: clinical testing. Allele origin: germline.
Comment: This variant is classified as likely benign based on ACMG/AMP sequence variant interpretation guidelines (Richards et al. 2015 PMID: 25741868, with internal and published modifications).

Illumina Laboratory Services, Illumina
Classification: Uncertain significance for Usher syndrome type 3A. Last evaluated: 2018-01-13. Review status: criteria provided, single submitter. Criteria: ICSL Variant Classification Criteria 13 December 2019. Collection method: clinical testing. Allele origin: germline.